The following is an entry in ClinVar:

NM_002878.4(RAD51D):c.-4G>A

Genes: RAD51D (RAD51 paralog D; minus strand), RAD51L3-RFFL (RAD51L3-RFFL readthrough; minus strand). Cytogenetic location: 17q12.
Variant type: single nucleotide variant.
Coding change: c.-4G>A on transcript NM_002878.4 (MANE Select); 4 bases upstream of the start codon, G replaced by A.
Molecular consequence: 5 prime UTR variant. On other transcripts: non-coding transcript variant (2).
Genome position (GRCh38, 1-based): chr17:35,119,617, C>T on the plus strand (G>A on the coding strand, the complement: RAD51D is on the minus strand). VCF-style: chr17-35119617-C-T. GRCh37 (hg19) VCF-style: chr17-33446636-C-T.
Other names: c.-4G>A (NM_001142571.2, NM_133629.3).
Identifiers: ClinVar variation 4841534 (VCV004841534.1).

ClinVar aggregate classification (germline): Uncertain significance (1 of 4 stars; one submission).

Conditions:
Hereditary cancer-predisposing syndrome. Also called: Neoplastic Syndromes, Hereditary; Tumor predisposition; Hereditary Cancer Syndrome; Hereditary neoplastic syndrome. Identifiers: Orphanet 140162, MedGen C0027672, MeSH D009386, MONDO:0015356.

Submission:

Ambry Genetics
Classification: Uncertain significance for Hereditary cancer-predisposing syndrome. Last evaluated: 2025-12-17. Review status: criteria provided, single submitter. Criteria: Ambry Variant Classification Scheme 2023. Collection method: clinical testing. Allele origin: germline.
Comment: The c.-4G>A variant is located in the 5' untranslated region (5&rsquo; UTR) of the RAD51D gene. This variant results from a G to A substitution 4 nucleotides upstream from the first translated codon. This nucleotide position is well conserved in available vertebrate species. Based on the available evidence, the clinical significance of this variant remains unclear.